The following is an entry in ClinVar:

ClinVar aggregate classification (germline): Uncertain significance (1 of 4 stars; one submission).

gnomAD v4.1: 6 of 1,613,076 alleles (0.00037%); highest among the groups gnomAD compares: African/African-American, 0.0053%; no homozygotes.

Submission:

Labcorp Genetics (formerly Invitae), Labcorp
Classification: Uncertain significance. Last evaluated: 2025-06-23. Review status: criteria provided, single submitter. Criteria: Invitae Variant Classification Sherloc (09022015). Collection method: clinical testing. Allele origin: germline.
Comment: This sequence change replaces serine, which is neutral and polar, with asparagine, which is neutral and polar, at codon 179 of the CFB protein (p.Ser179Asn). This variant is present in population databases (no rsID available, gnomAD 0.007%). This variant has not been reported in the literature in individuals affected with CFB-related conditions. Invitae Evidence Modeling of protein sequence and biophysical properties (such as structural, functional, and spatial information, amino acid conservation, physicochemical variation, residue mobility, and thermodynamic stability) indicates that this missense variant is not expected to disrupt CFB protein function with a negative predictive value of 80%. In summary, the available evidence is currently insufficient to determine the role of this variant in disease. Therefore, it has been classified as a Variant of Uncertain Significance.

NM_001710.6(CFB):c.536G>A (p.Ser179Asn)

Gene: CFB (complement factor B; plus strand). Cytogenetic location: 6p21.33.
Variant type: single nucleotide variant.
Coding change: c.536G>A on transcript NM_001710.6 (MANE Select); coding-DNA position 536, G replaced by A.
Protein change: p.Ser179Asn; replaces serine 179 with asparagine.
Molecular consequence: missense variant.
Genome position (GRCh38, 1-based): chr6:31,947,399, G>A. VCF-style: chr6-31947399-G-A. GRCh37 (hg19) VCF-style: chr6-31915176-G-A.
Other names: short protein forms S179N.
Identifiers: ClinVar variation 4692770 (VCV004692770.1).